The following is an entry in ClinVar:

ClinVar aggregate classification (germline): Likely benign. Review status: criteria provided, multiple submitters, no conflicts (2 of 4 stars). 3 submissions from 3 submitters: Likely benign (3). Last evaluated 2025-05-14.

Conditions:
Neuropathy, hereditary sensory and autonomic, type 2A (HSAN2A). Also called: WNK1-Related HSAN2 (HSAN2A); HSAN IIA; ACROOSTEOLYSIS, GIACCAI TYPE; ACROOSTEOLYSIS, NEUROGENIC; MORVAN DISEASE; NEUROPATHY, CONGENITAL SENSORY. Identifiers: Orphanet 970, MedGen C2752089, MONDO:0024309, OMIM 201300.
Pseudohypoaldosteronism type 2C (PHA2C). Also called: Pseudohypoaldosteronism Type IIC. Identifiers: Orphanet 757, Orphanet 88940, MedGen C1840391, MONDO:0013778, OMIM 614492.
WNK1-related disorder. Also called: WNK1-related condition.

gnomAD v4.1: 11 of 1,614,076 alleles (0.00068%); highest among the groups gnomAD compares: East Asian, 0.0045%; no homozygotes.

Submissions (3):

PreventionGenetics, part of Exact Sciences
Classification: Likely benign for WNK1-related condition. Last evaluated: 2025-05-14. Review status: criteria provided, single submitter. Criteria: ACMG Guidelines, 2015. Collection method: clinical testing. Allele origin: germline.
Comment: This variant is classified as likely benign based on ACMG/AMP sequence variant interpretation guidelines (Richards et al. 2015 PMID: 25741868, with internal and published modifications).

Labcorp Genetics (formerly Invitae), Labcorp
Classification: Likely benign for Neuropathy, hereditary sensory and autonomic, type 2A; Pseudohypoaldosteronism type 2C. Last evaluated: 2024-12-26. Review status: criteria provided, single submitter. Criteria: Invitae Variant Classification Sherloc (09022015). Collection method: clinical testing. Allele origin: germline.

Fulgent Genetics
Classification: Likely benign for Neuropathy, hereditary sensory and autonomic, type 2A; Pseudohypoaldosteronism type 2C. Last evaluated: 2021-11-08. Review status: criteria provided, single submitter. Criteria: ACMG Guidelines, 2015. Collection method: clinical testing. Allele origin: unknown.

NM_018979.4(WNK1):c.5727G>A (p.Pro1909=)

Gene: WNK1 (WNK lysine deficient protein kinase 1; plus strand). Cytogenetic location: 12p13.33.
Variant type: single nucleotide variant.
Coding change: c.5727G>A on transcript NM_018979.4 (MANE Select); coding-DNA position 5727, G replaced by A.
Protein change: p.Pro1909=; no amino-acid change (proline 1909 retained).
Molecular consequence: synonymous variant.
Genome position (GRCh38, 1-based): chr12:896,214, G>A. VCF-style: chr12-896214-G-A. GRCh37 (hg19) VCF-style: chr12-1005380-G-A.
Other names: c.6507G>A, p.Pro2169= (NM_001184985.2); c.4983G>A, p.Pro1661= (NM_014823.3); c.6483G>A, p.Pro2161= (NM_213655.5); c.5727G>A (NM_018979.3).
Identifiers: ClinVar variation 1159476 (VCV001159476.11), dbSNP rs763247767, ClinGen allele CA477852221.